The following is an entry in ClinVar:

NM_001128164.2(ATXN1):c.474A>G (p.Ala158=)

Gene: ATXN1 (ataxin 1; minus strand). Cytogenetic location: 6p22.3.
Variant type: single nucleotide variant.
Coding change: c.474A>G on transcript NM_001128164.2 (MANE Select); coding-DNA position 474, A replaced by G.
Protein change: p.Ala158=; no amino-acid change (alanine 158 retained).
Molecular consequence: synonymous variant. On other transcripts: missense variant (1).
Genome position (GRCh38, 1-based): chr6:16,327,837, T>C on the plus strand (A>G on the coding strand, the complement: ATXN1 is on the minus strand). VCF-style: chr6-16327837-T-C. GRCh37 (hg19) VCF-style: chr6-16328068-T-C.
Other names: c.474A>G, p.Ala158= (NM_000332.4); c.445A>G, p.Ser149Gly (NM_001357857.2); short protein forms S149G.
Identifiers: ClinVar variation 128500 (VCV000128500.8), dbSNP rs2072736, ClinGen allele CA151984.

ClinVar aggregate classification (germline): Benign. Review status: criteria provided, single submitter (1 of 4 stars). 2 submissions from 2 submitters: Benign (1). 1 of the submissions does not count toward it. Last evaluated 2021-02-11.

Allele frequency attached by ClinVar (database versions not stated): ESP Exome Variant Server 0.10573; gnomAD exomes 0.11676; ExAC 0.11717; gnomAD 0.12678 and 0.12936; TOPMed 0.14125; 1000 Genomes Project 0.21825; 1000 Genomes Project 30x 0.21986.
gnomAD v4.1: 121,105 of 1,608,490 alleles (7.5%); highest among the groups gnomAD compares: East Asian, 38%; 9,724 homozygotes.

Submissions (2):

GeneDx
Classification: Benign. Last evaluated: 2021-02-11. Review status: criteria provided, single submitter. Criteria: GeneDx Variant Classification Process June 2021. Collection method: clinical testing. Allele origin: germline. Affected: yes.

Genetic Services Laboratory, University of Chicago
Classification: Likely benign for AllHighlyPenetrant. Review status: no assertion criteria provided. Collection method: clinical testing. Allele origin: germline. Inheritance: Autosomal dominant inheritance. Not counted in ClinVar's aggregate classification.
Comment: Likely benign based on allele frequency in 1000 Genomes Project or ESP global frequency and its presence in a patient with a rare or unrelated disease phenotype. NOT Sanger confirmed.